The following is an entry in ClinVar:

NM_005157.6(ABL1):c.2187G>A (p.Thr729=)

Gene: ABL1 (ABL proto-oncogene 1, non-receptor tyrosine kinase; plus strand). Cytogenetic location: 9q34.12.
Variant type: single nucleotide variant.
Coding change: c.2187G>A on transcript NM_005157.6 (MANE Select); coding-DNA position 2187, G replaced by A.
Protein change: p.Thr729=; no amino-acid change (threonine 729 retained).
Molecular consequence: synonymous variant.
Genome position (GRCh38, 1-based): chr9:130,884,477, G>A. VCF-style: chr9-130884477-G-A. GRCh37 (hg19) VCF-style: chr9-133759864-G-A.
Other names: c.2244G>A, p.Thr748= (NM_007313.3).
Identifiers: ClinVar variation 783560 (VCV000783560.14), dbSNP rs35670116, ClinGen allele CA5285645.

ClinVar aggregate classification (germline): Benign/Likely benign. Review status: criteria provided, multiple submitters, no conflicts (2 of 4 stars). 4 submissions from 4 submitters: Benign (2); Likely benign (1). 1 of the submissions does not count toward it. Last evaluated 2026-02-01.

Conditions:
ABL1-related disorder. Also called: ABL1-related condition.

Allele frequency attached by ClinVar (database versions not stated): ESP Exome Variant Server 0.00031; gnomAD 0.00036 and 0.00040; ExAC 0.00038; gnomAD exomes 0.00049; TOPMed 0.00054; 1000 Genomes Project 30x 0.00094; 1000 Genomes Project 0.00100.
gnomAD v4.1: 324 of 1,613,124 alleles (0.02%); highest among the groups gnomAD compares: Admixed American, 0.18%; 1 homozygote.

Submissions (4):

Labcorp Genetics (formerly Invitae), Labcorp
Classification: Benign. Last evaluated: 2026-02-01. Review status: criteria provided, single submitter. Criteria: Invitae Variant Classification Sherloc (09022015). Collection method: clinical testing. Allele origin: germline.

Blueprint Genetics
Classification: Likely benign. Last evaluated: 2024-09-03. Review status: criteria provided, single submitter. Criteria: ACMG Guidelines, 2015. Collection method: clinical testing. Allele origin: germline.

Breakthrough Genomics
Classification: Benign. Review status: criteria provided, single submitter. Criteria: ACMG Guidelines, 2015. Collection method: not provided. Allele origin: germline. Inheritance: Autosomal dominant inheritance. Affected: yes.

PreventionGenetics, part of Exact Sciences
Classification: Likely benign for ABL1-related condition. Last evaluated: 2019-02-20. Review status: no assertion criteria provided. Collection method: clinical testing. Allele origin: germline. Not counted in ClinVar's aggregate classification.
Comment: This variant is classified as likely benign based on ACMG/AMP sequence variant interpretation guidelines (Richards et al. 2015 PMID: 25741868, with internal and published modifications).